The following is an entry in ClinVar:

NM_005535.3(IL12RB1):c.3G>T (p.Met1Ile)

Gene: IL12RB1 (interleukin 12 receptor subunit beta 1; minus strand). Cytogenetic location: 19p13.11.
Variant type: single nucleotide variant.
Coding change: c.3G>T on transcript NM_005535.3 (MANE Select); coding-DNA position 3, G replaced by T.
Protein change: p.Met1Ile; changes the start codon (methionine 1).
Molecular consequence: missense variant, initiator codon variant.
Genome position (GRCh38, 1-based): chr19:18,086,821, C>A on the plus strand (G>T on the coding strand, the complement: IL12RB1 is on the minus strand). VCF-style: chr19-18086821-C-A. GRCh37 (hg19) VCF-style: chr19-18197631-C-A.
Other names: c.3G>T, p.Met1Ile (NM_001290023.2, NM_153701.3); c.123G>T, p.Met41Ile (NM_001290024.2); short protein forms M1I, M41I.
Identifiers: ClinVar variation 3391270 (VCV003391270.1).

ClinVar aggregate classification (germline): Uncertain significance (1 of 4 stars; one submission).

Conditions:
Mendelian susceptibility to mycobacterial diseases due to complete IL12RB1 deficiency. Also called: IL12RB1 DEFICIENCY; Immunodeficiency 30. Identifiers: Orphanet 319552, MedGen C4013949, MONDO:0013955, OMIM 614891.

Submission:

Neuberg Centre For Genomic Medicine, NCGM
Classification: Uncertain significance for Mendelian susceptibility to mycobacterial diseases due to complete IL12RB1 deficiency. Review status: criteria provided, single submitter. Criteria: ACMG Guidelines, 2015. Collection method: clinical testing. Allele origin: germline. Inheritance: Autosomal recessive inheritance. Affected: yes.
Comment: The observed start lost c.3G>T p.Met1? variant in IL12RB1 gene has not been reported previously as a pathogenic variant nor as a benign variant, to our knowledge. This variant is absent in gnomAD Exomes. This variant has not been submitted to the ClinVar database. Multiple lines of computational evidence Polyphen - Probably Damaging, SIFT - Damaging and MutationTaster - Disease causing predict a damaging effect on protein structure and function for this variant. The reference amino acid of p.Met1? in IL12RB1 is predicted as conserved by GERP++ and PhyloP across 100 vertebrates. The p.Met1? variant is predicted to disrupt the initiation codon, and thus potentially may interfere with protein expression. However, additional functional studies will be required to prove the pathogenicity of this variant. For these reasons, this variant has been classified as a Variant of Uncertain Significance VUS.